The following is an entry in ClinVar:

NM_002528.7(NTHL1):c.729G>C (p.Trp243Cys)

Gene: NTHL1 (nth like DNA glycosylase 1; minus strand). Cytogenetic location: 16p13.3.
Variant type: single nucleotide variant.
Coding change: c.729G>C on transcript NM_002528.7 (MANE Select); coding-DNA position 729, G replaced by C.
Protein change: p.Trp243Cys; replaces tryptophan 243 with cysteine.
Molecular consequence: missense variant.
Genome position (GRCh38, 1-based): chr16:2,040,195, C>G on the plus strand (G>C on the coding strand, the complement: NTHL1 is on the minus strand). VCF-style: chr16-2040195-C-G. GRCh37 (hg19) VCF-style: chr16-2090196-C-G.
Other names: c.558G>C, p.Trp186Cys (NM_001318193.2); c.399G>C, p.Trp133Cys (NM_001318194.2); short protein forms W133C, W243C, W186C.
Identifiers: ClinVar variation 3301256 (VCV003301256.1).

ClinVar aggregate classification (germline): Uncertain significance (1 of 4 stars; one submission).

Conditions:
Hereditary cancer-predisposing syndrome. Also called: Tumor predisposition; Hereditary Cancer Syndrome; Hereditary neoplastic syndrome; Neoplastic Syndromes, Hereditary. Identifiers: Orphanet 140162, MedGen C0027672, MeSH D009386, MONDO:0015356.

Submission:

Ambry Genetics
Classification: Uncertain significance for Hereditary cancer-predisposing syndrome. Last evaluated: 2024-03-22. Review status: criteria provided, single submitter. Criteria: Ambry Variant Classification Scheme 2023. Collection method: clinical testing. Allele origin: germline.
Comment: The p.W251C variant (also known as c.753G>C), located in coding exon 5 of the NTHL1 gene, results from a G to C substitution at nucleotide position 753. The tryptophan at codon 251 is replaced by cysteine, an amino acid with highly dissimilar properties. This amino acid position is conserved. In addition, this alteration is predicted to be deleterious by in silico analysis. Based on the available evidence, the clinical significance of this alteration remains unclear.